The following is an entry in ClinVar:

NM_006393.3(NEBL):c.1067A>G (p.Glu356Gly)

Gene: NEBL (nebulette; minus strand). Cytogenetic location: 10p12.31.
Variant type: single nucleotide variant.
Coding change: c.1067A>G on transcript NM_006393.3 (MANE Select); coding-DNA position 1067, A replaced by G.
Protein change: p.Glu356Gly; replaces glutamic acid 356 with glycine.
Molecular consequence: missense variant. On other transcripts: intron variant (9).
Genome position (GRCh38, 1-based): chr10:20,850,444, T>C on the plus strand (A>G on the coding strand, the complement: NEBL is on the minus strand). VCF-style: chr10-20850444-T-C. GRCh37 (hg19) VCF-style: chr10-21139373-T-C.
Other names: c.250-37504A>G (NM_001377326.1, NM_001377327.1, NM_001377328.1); c.358-37504A>G (NM_213569.2, NM_001173484.2, NM_001377322.1); c.301-37504A>G (NM_001377324.1); c.292-37504A>G (NM_001377325.1); c.310-37504A>G (NM_001377323.1); short protein forms E356G.
Identifiers: ClinVar variation 1782114 (VCV001782114.2), dbSNP rs1842395344, ClinGen allele CA376099888.

ClinVar aggregate classification (germline): Uncertain significance (1 of 4 stars; one submission).

Allele frequency attached by ClinVar (database versions not stated): TOPMed below 0.00001.

Submission:

Ambry Genetics
Classification: Uncertain significance. Last evaluated: 2022-09-05. Review status: criteria provided, single submitter. Criteria: Ambry Variant Classification Scheme 2023. Collection method: clinical testing. Allele origin: germline.
Comment: The p.E356G variant (also known as c.1067A>G), located in coding exon 11 of the NEBL gene, results from an A to G substitution at nucleotide position 1067. The glutamic acid at codon 356 is replaced by glycine, an amino acid with similar properties. This amino acid position is conserved. In addition, this alteration is predicted to be tolerated by in silico analysis. Since supporting evidence is limited at this time, the clinical significance of this alteration remains unclear.